The following is an entry in ClinVar:

NC_000023.10:g.(?_8565055)_(8591731_?)dup

Gene: ANOS1 (anosmin 1; minus strand). Cytogenetic location: Xp22.31.
Variant type: Duplication.
Identifiers: ClinVar variation 3244183 (VCV003244183.1).

ClinVar aggregate classification (germline): Pathogenic (1 of 4 stars; one submission).

Conditions:
Hypogonadotropic hypogonadism 1 with or without anosmia (HH1). Also called: Kallmann syndrome, type 1, X-linked; DYSPLASIA OLFACTOGENITALIS OF DE MORSIER; HYPOGONADOTROPIC HYPOGONADISM 1 WITH ANOSMIA; HYPOGONADOTROPIC HYPOGONADISM AND ANOSMIA; KAL1-Related GnRH Deficiency (Kallmann Syndrome 1; Kallmann Syndrome, X-Linked); Hypogonadotropic hypogonadism 1 with or without anosmia (Kallmann syndrome 1). Identifiers: Orphanet 478, MedGen C1563719, MONDO:0010635, OMIM 308700. Disease mechanism: loss of function.

Submission:

Labcorp Genetics (formerly Invitae), Labcorp
Classification: Pathogenic for Hypogonadotropic hypogonadism 1 with or without anosmia. Last evaluated: 2023-09-20. Review status: criteria provided, single submitter. Criteria: Invitae Variant Classification Sherloc (09022015). Collection method: clinical testing. Allele origin: unknown.
Comment: For these reasons, this variant has been classified as Pathogenic. A similar copy number variant has been observed in individual(s) with clinical features of Kallmann syndrome (Invitae). In at least one individual the variant was observed to be de novo. This variant results in a copy number gain of the genomic region encompassing exon(s) 3-4 of the ANOS1 gene. While the exact position of this variant cannot be determined from the data, sub-genic copy number gains are generally in tandem (PMID: 25640679). This variant is predicted to be out-of-frame, and may result in an absent or disrupted protein product. Loss-of-function variants in ANOS1 are known to be pathogenic (PMID: 8504298, 11297579).

Literature cited by the submitters: PubMed 25640679; PubMed 8504298; PubMed 11297579.